The following is an entry in ClinVar:

NM_016151.4(TAOK2):c.1550G>A (p.Arg517Gln)

Gene: TAOK2 (TAO kinase 2; plus strand). Cytogenetic location: 16p11.2.
Variant type: single nucleotide variant.
Coding change: c.1550G>A on transcript NM_016151.4 (MANE Select); coding-DNA position 1550, G replaced by A.
Protein change: p.Arg517Gln; replaces arginine 517 with glutamine.
Molecular consequence: missense variant.
Genome position (GRCh38, 1-based): chr16:29,985,340, G>A. VCF-style: chr16-29985340-G-A. GRCh37 (hg19) VCF-style: chr16-29996661-G-A.
Other names: c.1550G>A, p.Arg517Gln (NM_001252043.2, NM_004783.4); short protein forms R517Q.
Identifiers: ClinVar variation 2786329 (VCV002786329.3), dbSNP rs768531269, ClinGen allele CA7998165.

ClinVar aggregate classification (germline): Uncertain significance (1 of 4 stars; one submission).

Allele frequency attached by ClinVar (database versions not stated): TOPMed below 0.00001; gnomAD 0.00001; gnomAD exomes 0.00001.
gnomAD v4.1: 9 of 1,611,214 alleles (0.00056%); highest among the groups gnomAD compares: South Asian, 0.0022%; no homozygotes.

Submission:

Labcorp Genetics (formerly Invitae), Labcorp
Classification: Uncertain significance. Last evaluated: 2026-01-06. Review status: criteria provided, single submitter. Criteria: Invitae Variant Classification Sherloc (09022015). Collection method: clinical testing. Allele origin: germline.
Comment: This sequence change replaces arginine, which is basic and polar, with glutamine, which is neutral and polar, at codon 517 of the TAOK2 protein (p.Arg517Gln). This variant is present in population databases (rs768531269, gnomAD 0.0009%). This variant has not been reported in the literature in individuals affected with TAOK2-related conditions. ClinVar contains an entry for this variant (Variation ID: 2786329). An algorithm developed to predict the effect of missense changes on protein structure and function (PolyPhen-2) suggests that this variant is likely to be disruptive. In summary, the available evidence is currently insufficient to determine the role of this variant in disease. Therefore, it has been classified as a Variant of Uncertain Significance.